The following is an entry in ClinVar:

NM_201384.3(PLEC):c.13594G>A (p.Ala4532Thr)

Gene: PLEC (plectin; minus strand). Cytogenetic location: 8q24.3.
Variant type: single nucleotide variant.
Coding change: c.13594G>A on transcript NM_201384.3 (MANE Select); coding-DNA position 13594, G replaced by A.
Protein change: p.Ala4532Thr; replaces alanine 4532 with threonine.
Molecular consequence: missense variant.
Genome position (GRCh38, 1-based): chr8:143,916,227, C>T on the plus strand (G>A on the coding strand, the complement: PLEC is on the minus strand). VCF-style: chr8-143916227-C-T. GRCh37 (hg19) VCF-style: chr8-144990395-C-T.
Other names: c.13675G>A (NM_000445.4); c.13675G>A, p.Ala4559Thr (NM_000445.5); c.10294G>A, p.Ala3432Thr (NM_001410941.1); c.13552G>A, p.Ala4518Thr (NM_201378.4); c.13528G>A, p.Ala4510Thr (NM_201379.3); c.14005G>A, p.Ala4669Thr (NM_201380.4); c.13498G>A, p.Ala4500Thr (NM_201381.3); c.13594G>A, p.Ala4532Thr (NM_201382.4); and 1 more; short protein forms A3432T, A4500T, A4510T, A4518T, A4532T, A4536T, A4559T, A4669T.
Identifiers: ClinVar variation 2435044 (VCV002435044.7), dbSNP rs960253843, ClinGen allele CA187605975.

ClinVar aggregate classification (germline): Conflicting classifications of pathogenicity. Review status: criteria provided, conflicting classifications (1 of 4 stars). 2 submissions from 2 submitters: Uncertain significance (1); Likely benign (1). Last evaluated 2025-04-27.

Conditions:
Epidermolysis bullosa simplex 5B, with muscular dystrophy (EBS5B). Also called: EPIDERMOLYSIS BULLOSA SIMPLEX AND LIMB-GIRDLE MUSCULAR DYSTROPHY; Epidermolysis bullosa simplex with muscular dystrophy. Identifiers: Orphanet 257, MedGen C2931072, MONDO:0009181, OMIM 226670.
Epidermolysis bullosa simplex with nail dystrophy (EBS5D). Identifiers: MedGen C4225309, MONDO:0014661, OMIM 616487.
Epidermolysis bullosa simplex 5C, with pyloric atresia (EBS5C). Also called: PLEC-Related Epidermolysis Bullosa with Pyloric Atresia; Epidermolysis bullosa simplex with pyloric atresia; PLEC1-Related Epidermolysis Bullosa with Pyloric Atresia. Identifiers: Orphanet 158684, MedGen C2677349, MONDO:0012807, OMIM 612138.
Autosomal recessive limb-girdle muscular dystrophy type 2Q (LGMDR17). Also called: MUSCULAR DYSTROPHY, LIMB-GIRDLE, AUTOSOMAL RECESSIVE 17. Identifiers: Orphanet 254361, MedGen C3150989, MONDO:0013390, OMIM 613723.
Epidermolysis bullosa simplex, Ogna type (EBS5A). Also called: EPIDERMOLYSIS BULLOSA SIMPLEX 5A, OGNA TYPE; Pidermolysis bullosa simplex 5A, Ogna type. Identifiers: Orphanet 79401, MedGen C0432317, MONDO:0007555, OMIM 131950.

Allele frequency attached by ClinVar (database versions not stated): TOPMed 0.00003; gnomAD 0.00006.
gnomAD v4.1: 91 of 1,546,536 alleles (0.0059%); highest among the groups gnomAD compares: Non-Finnish European, 0.0058%; no homozygotes.

Submissions (2):

Labcorp Genetics (formerly Invitae), Labcorp
Classification: Uncertain significance for Autosomal recessive limb-girdle muscular dystrophy type 2Q; Epidermolysis bullosa simplex, Ogna type; Epidermolysis bullosa simplex with nail dystrophy; Epidermolysis bullosa simplex 5C, with pyloric atresia; Epidermolysis bullosa simplex 5B, with muscular dystrophy. Last evaluated: 2025-04-27. Review status: criteria provided, single submitter. Criteria: Invitae Variant Classification Sherloc (09022015). Collection method: clinical testing. Allele origin: germline.
Comment: This sequence change replaces alanine, which is neutral and non-polar, with threonine, which is neutral and polar, at codon 4559 of the PLEC protein (p.Ala4559Thr). This variant is present in population databases (no rsID available, gnomAD 0.06%). This variant has not been reported in the literature in individuals affected with PLEC-related conditions. ClinVar contains an entry for this variant (Variation ID: 2435044). An algorithm developed to predict the effect of missense changes on protein structure and function outputs the following: PolyPhen-2: "Not Available". The threonine amino acid residue is found in multiple mammalian species, which suggests that this missense change does not adversely affect protein function. In summary, the available evidence is currently insufficient to determine the role of this variant in disease. Therefore, it has been classified as a Variant of Uncertain Significance.

Revvity Omics, Revvity
Classification: Likely benign. Last evaluated: 2024-05-28. Review status: criteria provided, single submitter. Criteria: ACMG Guidelines, 2015. Collection method: clinical testing. Allele origin: germline.